The following is an entry in ClinVar:

ClinVar aggregate classification (germline): Uncertain significance. Review status: criteria provided, multiple submitters, no conflicts (2 of 4 stars). 5 submissions from 3 submitters: Uncertain significance (5). Last evaluated 2023-04-11.

Conditions:
Cardiovascular phenotype. Identifiers: MedGen CN230736.
Hypertrophic cardiomyopathy 2. Also called: TNNT2-Related Familial Hypertrophic Cardiomyopathy. Identifiers: MedGen C1861864, MONDO:0007266, OMIM 115195.
Cardiomyopathy, familial restrictive, 3. Identifiers: Orphanet 75249, MedGen C2676271, MONDO:0012900, OMIM 612422.
Dilated cardiomyopathy 1D. Identifiers: Orphanet 154, Orphanet 54260, MedGen C1832243, MONDO:0011095, OMIM 601494.

Allele frequency attached by ClinVar (database versions not stated): TOPMed below 0.00001.

Submissions (5):

Genome-Nilou Lab
Classification: Uncertain significance for Dilated cardiomyopathy 1D. Last evaluated: 2023-04-11. Review status: criteria provided, single submitter. Criteria: ACMG Guidelines, 2015. Collection method: clinical testing. Allele origin: germline. Affected: no.

Genome-Nilou Lab
Classification: Uncertain significance for Cardiomyopathy, familial restrictive, 3. Last evaluated: 2023-04-11. Review status: criteria provided, single submitter. Criteria: ACMG Guidelines, 2015. Collection method: clinical testing. Allele origin: germline. Affected: no.

Genome-Nilou Lab
Classification: Uncertain significance for Hypertrophic cardiomyopathy 2. Last evaluated: 2023-04-11. Review status: criteria provided, single submitter. Criteria: ACMG Guidelines, 2015. Collection method: clinical testing. Allele origin: germline. Affected: no.

Labcorp Genetics (formerly Invitae), Labcorp
Classification: Uncertain significance for Cardiomyopathy, familial restrictive, 3; Hypertrophic cardiomyopathy 2; Dilated cardiomyopathy 1D. Last evaluated: 2022-01-28. Review status: criteria provided, single submitter. Criteria: Invitae Variant Classification Sherloc (09022015). Collection method: clinical testing. Allele origin: germline.
Comment: This sequence change affects a donor splice site in intron 5 of the TNNT2 gene. It is expected to disrupt RNA splicing. Variants that disrupt the donor or acceptor splice site typically lead to a loss of protein function (PMID: 16199547), however the current clinical and genetic evidence is not sufficient to establish whether loss-of-function variants in TNNT2 cause disease. This variant is not present in population databases (gnomAD no frequency). This variant has not been reported in the literature in individuals affected with TNNT2-related conditions. Algorithms developed to predict the effect of sequence changes on RNA splicing suggest that this variant may disrupt the consensus splice site. In summary, the available evidence is currently insufficient to determine the role of this variant in disease. Therefore, it has been classified as a Variant of Uncertain Significance.

Ambry Genetics
Classification: Uncertain significance for Cardiovascular phenotype. Last evaluated: 2019-09-30. Review status: criteria provided, single submitter. Criteria: Ambry Variant Classification Scheme 2023. Collection method: clinical testing. Allele origin: germline.
Comment: The c.133+2T>C intronic variant results from a T to C substitution two nucleotides after coding exon 4 in the TNNT2 gene. This nucleotide position is highly conserved in available vertebrate species. Using two different splice site prediction tools, this alteration is predicted by BDGP to abolish the native splice donor site, but is predicted to weaken (but not abolish) the efficiency of the native splice donor site by ESEfinder; however, direct evidence is unavailable. Alterations that disrupt the canonical splice site are expected to cause aberrant splicing, resulting in an abnormal protein or a transcript that is subject to nonsense-mediated mRNA decay. However, loss of function of TNNT2 has not been clearly established as a mechanism of disease. Since supporting evidence is limited at this time, the clinical significance of this alteration remains unclear.

Literature cited by the submitters: PubMed 16199547 (cited by Labcorp Genetics (formerly Invitae), Labcorp).

NM_001276345.2(TNNT2):c.163+2T>C

Gene: TNNT2 (troponin T2, cardiac type; minus strand). Cytogenetic location: 1q32.1.
Variant type: single nucleotide variant.
Coding change: c.163+2T>C on transcript NM_001276345.2 (MANE Select); the canonical splice donor site of the intron after coding-DNA position 163, T replaced by C.
Molecular consequence: splice donor variant.
Genome position (GRCh38, 1-based): chr1:201,368,160, A>G on the plus strand (T>C on the coding strand, the complement: TNNT2 is on the minus strand). VCF-style: chr1-201368160-A-G. GRCh37 (hg19) VCF-style: chr1-201337288-A-G.
Other names: c.133+2T>C (NM_001406727.1, NM_001406724.1, NM_001406725.1 and 4 more transcripts); c.118+2T>C (NM_001001432.3, NM_001406728.1); c.163+2T>C (NM_001276346.2, NM_000364.4, NM_001406723.1).
Identifiers: ClinVar variation 1770128 (VCV001770128.8), dbSNP rs111683656, ClinGen allele CA344207169.